The following is an entry in ClinVar:

ClinVar aggregate classification (germline): Uncertain significance (1 of 4 stars; one submission).

Conditions:
Developmental and epileptic encephalopathy 94 (DEE94). Also called: Epileptic encephalopathy, childhood-onset; CHD2-Related Neurodevelopmental Disorders. Identifiers: Orphanet 1942, Orphanet 2382, MedGen C3809278, MONDO:0014150, OMIM 615369.

Submission:

Labcorp Genetics (formerly Invitae), Labcorp
Classification: Uncertain significance for Developmental and epileptic encephalopathy 94. Last evaluated: 2026-01-12. Review status: criteria provided, single submitter. Criteria: Invitae Variant Classification Sherloc (09022015). Collection method: clinical testing. Allele origin: germline.
Comment: This sequence change replaces phenylalanine, which is neutral and non-polar, with leucine, which is neutral and non-polar, at codon 674 of the CHD2 protein (p.Phe674Leu). This variant is not present in population databases (gnomAD no frequency). This variant has not been reported in the literature in individuals affected with CHD2-related conditions. Invitae Evidence Modeling of protein sequence and biophysical properties (such as structural, functional, and spatial information, amino acid conservation, physicochemical variation, residue mobility, and thermodynamic stability) indicates that this missense variant is not expected to disrupt CHD2 protein function with a negative predictive value of 95%. In summary, the available evidence is currently insufficient to determine the role of this variant in disease. Therefore, it has been classified as a Variant of Uncertain Significance.

NM_001271.4(CHD2):c.2020T>C (p.Phe674Leu)

Gene: CHD2 (chromodomain helicase DNA binding protein 2; plus strand). Cytogenetic location: 15q26.1.
Variant type: single nucleotide variant.
Coding change: c.2020T>C on transcript NM_001271.4 (MANE Select); coding-DNA position 2020, T replaced by C.
Protein change: p.Phe674Leu; replaces phenylalanine 674 with leucine.
Molecular consequence: missense variant.
Genome position (GRCh38, 1-based): chr15:92,967,344, T>C. VCF-style: chr15-92967344-T-C. GRCh37 (hg19) VCF-style: chr15-93510574-T-C.
Other names: short protein forms F674L.
Identifiers: ClinVar variation 4802434 (VCV004802434.1).